The following is an entry in ClinVar:

ClinVar aggregate classification (germline): Uncertain significance (0 of 4 stars; one submission).

Conditions:
ITSN2-related disorder. Also called: ITSN2-related condition.

Submission:

PreventionGenetics, part of Exact Sciences
Classification: Uncertain significance for ITSN2-related condition. Last evaluated: 2024-05-08. Review status: no assertion criteria provided. Collection method: clinical testing. Allele origin: germline.
Comment: The ITSN2 c.851C>T variant is predicted to result in the amino acid substitution p.Thr284Ile. To our knowledge, this variant has not been reported in the literature or in a large population database, indicating this variant is rare. At this time, the clinical significance of this variant is uncertain due to the absence of conclusive functional and genetic evidence.

NM_006277.3(ITSN2):c.851C>T (p.Thr284Ile)

Gene: ITSN2 (intersectin 2; minus strand). Cytogenetic location: 2p23.3.
Variant type: single nucleotide variant.
Coding change: c.851C>T on transcript NM_006277.3 (MANE Select); coding-DNA position 851, C replaced by T.
Protein change: p.Thr284Ile; replaces threonine 284 with isoleucine.
Molecular consequence: missense variant.
Genome position (GRCh38, 1-based): chr2:24,303,805, G>A on the plus strand (C>T on the coding strand, the complement: ITSN2 is on the minus strand). VCF-style: chr2-24303805-G-A. GRCh37 (hg19) VCF-style: chr2-24526674-G-A.
Other names: c.809C>T, p.Thr270Ile (NM_001348181.2, NM_001348184.2); c.851C>T, p.Thr284Ile (NM_001348182.2, NM_001348183.2, NM_001348185.2 and 3 more transcripts); short protein forms T270I, T284I.
Identifiers: ClinVar variation 3346651 (VCV003346651.1).